The following is an entry in ClinVar:

NM_015702.3(MMADHC):c.372G>C (p.Gln124His)

Gene: MMADHC (metabolism of cobalamin associated D; minus strand). Cytogenetic location: 2q23.2.
Variant type: single nucleotide variant.
Coding change: c.372G>C on transcript NM_015702.3 (MANE Select); coding-DNA position 372, G replaced by C.
Protein change: p.Gln124His; replaces glutamine 124 with histidine.
Molecular consequence: missense variant.
Genome position (GRCh38, 1-based): chr2:149,579,431, C>G on the plus strand (G>C on the coding strand, the complement: MMADHC is on the minus strand). VCF-style: chr2-149579431-C-G. GRCh37 (hg19) VCF-style: chr2-150435945-C-G.
Other names: short protein forms Q124H.
Identifiers: ClinVar variation 4687286 (VCV004687286.1).
Genomic context (GRCh38, chr2:149,579,431, plus strand): 5'-TAATCAAGTCATATAGCATTAATAATCAGGAAAGCACAATAAATGTTACCAACAATTTAC[C>G]TGAAATTCATTCACATATTGTGCCATCACAAACTCATGTCTTTCACTTGATAAAGGTTCT-3'
Protein context (NP_056517.1, residues 114-134): FVMAQYVNEF[Gln124His]GNDAPVEQEI

ClinVar aggregate classification (germline): Uncertain significance (1 of 4 stars; one submission).

Submission:

Women's Health and Genetics/Laboratory Corporation of America, LabCorp
Classification: Uncertain significance. Last evaluated: 2025-10-30. Review status: criteria provided, single submitter. Criteria: LabCorp Variant Classification Summary - May 2015. Collection method: clinical testing. Allele origin: germline.
Comment: Variant summary: MMADHC c.372G>C (p.Gln124His) results in a non-conservative amino acid change in the encoded protein sequence. Algorithms developed to predict the effect of missense changes on protein structure and function are either unavailable or do not agree on the potential impact of this missense change. Several computational tools predict a significant impact on normal splicing: Three predict the variant abolishes a 5' splicing donor site and one predicts the variant weakens a 5' donor site. However, these predictions have yet to be confirmed by functional studies. The variant was absent in 250896 control chromosomes. The available data on variant occurrences in the general population are insufficient to allow any conclusion about variant significance. To our knowledge, no occurrence of c.372G>C in individuals affected with MMADHC-related conditions and no experimental evidence demonstrating its impact on protein function have been reported. No submitters have cited clinical-significance assessments for this variant to ClinVar. Based on the evidence outlined above, the variant was classified as uncertain significance.